The following is an entry in ClinVar:

NM_001291415.2(KDM6A):c.3788T>G (p.Ile1263Ser)

Gene: KDM6A (lysine demethylase 6A; plus strand). Cytogenetic location: Xp11.3.
Variant type: single nucleotide variant.
Coding change: c.3788T>G on transcript NM_001291415.2 (MANE Select); coding-DNA position 3788, T replaced by G.
Protein change: p.Ile1263Ser; replaces isoleucine 1263 with serine.
Molecular consequence: missense variant. On other transcripts: non-coding transcript variant (1).
Genome position (GRCh38, 1-based): chrX:45,089,826, T>G. VCF-style: chrX-45089826-T-G. GRCh37 (hg19) VCF-style: chrX-44949071-T-G.
Other names: c.3653T>G, p.Ile1218Ser (NM_001291416.2, NM_001419811.1); c.3497T>G, p.Ile1166Ser (NM_001291417.2); c.3395T>G, p.Ile1132Ser (NM_001291418.2, NM_001419815.1); c.2744T>G, p.Ile915Ser (NM_001291421.2); c.3530T>G, p.Ile1177Ser (NM_001410742.1, NM_001419814.1); c.3788T>G, p.Ile1263Ser (NM_001419809.1); c.3686T>G, p.Ile1229Ser (NM_001419810.1, NM_001419813.1); c.3632T>G, p.Ile1211Ser (NM_001419812.1, NM_021140.4); short protein forms I1166S, I1177S, I915S, I1132S, I1211S, I1263S, I1218S, I1229S.
Identifiers: ClinVar variation 3781165 (VCV003781165.1).

ClinVar aggregate classification (germline): Uncertain significance (1 of 4 stars; one submission).

gnomAD v4.1: 1 of 1,209,904 alleles (0.000083%); highest among the groups gnomAD compares: Non-Finnish European, 0.00011%; no homozygotes.

Submission:

GeneDx
Classification: Uncertain significance. Last evaluated: 2024-10-17. Review status: criteria provided, single submitter. Criteria: GeneDx Variant Classification Process June 2021. Collection method: clinical testing. Allele origin: germline. Affected: yes.
Comment: Not observed at significant frequency in large population cohorts (gnomAD); In silico analysis supports that this missense variant has a deleterious effect on protein structure/function; Has not been previously published as pathogenic or benign to our knowledge